The following is an entry in ClinVar:

ClinVar aggregate classification (germline): Pathogenic. Review status: criteria provided, single submitter (1 of 4 stars). 2 submissions from 2 submitters: Pathogenic (1). 1 of the submissions does not count toward it. Last evaluated 2023-07-06.

Conditions:
Finnish congenital nephrotic syndrome (NPHS1). Also called: NEPHROTIC SYNDROME, TYPE 1. Identifiers: Orphanet 839, MedGen C0403399, MONDO:0009732, OMIM 256300.

Submissions (2):

Labcorp Genetics (formerly Invitae), Labcorp
Classification: Pathogenic. Last evaluated: 2023-07-06. Review status: criteria provided, single submitter. Criteria: Invitae Variant Classification Sherloc (09022015). Collection method: clinical testing. Allele origin: germline.
Comment: This sequence change creates a premature translational stop signal (p.Ser432Valfs*16) in the NPHS1 gene. It is expected to result in an absent or disrupted protein product. Loss-of-function variants in NPHS1 are known to be pathogenic (PMID: 11317351, 11854170, 12039988). This variant is not present in population databases (gnomAD no frequency). This premature translational stop signal has been observed in individual(s) with NPHS1-related conditions (PMID: 11854170). This variant is also known as nt1291 (insA). ClinVar contains an entry for this variant (Variation ID: 56435). For these reasons, this variant has been classified as Pathogenic.

Juha Muilu Group; Institute for Molecular Medicine Finland (FIMM)
Classification: Likely pathogenic for Finnish congenital nephrotic syndrome. Review status: no assertion criteria provided. Collection method: not provided. Allele origin: unknown. Not counted in ClinVar's aggregate classification.
Comment: FinDis database variant: This variant was not found or characterized by our laboratory, data were collected from public sources: see reference
ClinVar note: Converted during submission from probable-pathogenic to Likely pathogenic.

Literature cited by the submitters: PubMed 11317351 (cited by Labcorp Genetics (formerly Invitae), Labcorp); PubMed 11854170 (cited by Labcorp Genetics (formerly Invitae), Labcorp); PubMed 12039988 (cited by Labcorp Genetics (formerly Invitae), Labcorp).

NM_004646.4(NPHS1):c.1292dup (p.Ser432fs)

Gene: NPHS1 (NPHS1 adhesion molecule, nephrin; minus strand). Cytogenetic location: 19q13.12.
Variant type: Duplication.
Coding change: c.1292dup on transcript NM_004646.4 (MANE Select); coding-DNA position 1292, one base duplicated (A; older notation c.1292dupA).
Protein change: p.Ser432fs; shifts the reading frame from serine 432.
Molecular consequence: frameshift variant.
Genome position (GRCh38, 1-based): chr19:35,848,276, T duplicated on the plus strand (A on the coding strand, the reverse complement: NPHS1 is on the minus strand); the first of 2 consecutive T bases (chr19:35,848,276-35,848,277); duplicating either gives the same sequence. VCF-style (leftmost placement, unchanged base first): chr19-35848275-C-CT. GRCh37 (hg19) VCF-style: chr19-36339177-C-CT.
Other names: c.1292dupA (NM_004646.3); short protein forms S432fs.
Identifiers: ClinVar variation 56435 (VCV000056435.5), dbSNP rs386833877, ClinGen allele CA250114.
Genomic context (GRCh38, chr19:35,848,275, plus strand): 5'-AGGCTTGGGGGCATTGCTGGGCCAGGGCAGGGGCTCACATTTTACGTTCAGGATGAGCGA[C>CT]TTCTTGAAGGTCTCCTTGGTGAAGGCTTCACTGAAGGCCTCACATGTGAGGGTCAGACCG-3'